The following is an entry in ClinVar:

NM_004187.5(KDM5C):c.3988G>T (p.Ala1330Ser)

Gene: KDM5C (lysine demethylase 5C; minus strand). Cytogenetic location: Xp11.22.
Variant type: single nucleotide variant.
Coding change: c.3988G>T on transcript NM_004187.5 (MANE Select); coding-DNA position 3988, G replaced by T.
Protein change: p.Ala1330Ser; replaces alanine 1330 with serine.
Molecular consequence: missense variant. On other transcripts: non-coding transcript variant (3).
Genome position (GRCh38, 1-based): chrX:53,194,189, C>A on the plus strand (G>T on the coding strand, the complement: KDM5C is on the minus strand). VCF-style: chrX-53194189-C-A. GRCh37 (hg19) VCF-style: chrX-53223371-C-A.
Other names: c.3787G>T, p.Ala1263Ser (NM_001146702.2); c.3985G>T, p.Ala1329Ser (NM_001282622.3, NM_001353979.2, NM_001353982.2); c.3988G>T, p.Ala1330Ser (NM_001353978.3, NM_001353981.2, NM_001353984.2); short protein forms A1329S, A1330S, A1263S.
Identifiers: ClinVar variation 2741140 (VCV002741140.3), dbSNP rs1602160910, ClinGen allele CA413106016.

ClinVar aggregate classification (germline): Uncertain significance (1 of 4 stars; one submission).

Conditions:
Spastic paraplegia. Identifiers: MedGen C0037772, HP:0001258.

Submission:

Labcorp Genetics (formerly Invitae), Labcorp
Classification: Uncertain significance for Spastic paraplegia. Last evaluated: 2023-05-27. Review status: criteria provided, single submitter. Criteria: Invitae Variant Classification Sherloc (09022015). Collection method: clinical testing. Allele origin: germline.
Comment: In summary, the available evidence is currently insufficient to determine the role of this variant in disease. Therefore, it has been classified as a Variant of Uncertain Significance. Advanced modeling of protein sequence and biophysical properties (such as structural, functional, and spatial information, amino acid conservation, physicochemical variation, residue mobility, and thermodynamic stability) performed at Invitae indicates that this missense variant is not expected to disrupt KDM5C protein function. This variant has not been reported in the literature in individuals affected with KDM5C-related conditions. This variant is not present in population databases (gnomAD no frequency). This sequence change replaces alanine, which is neutral and non-polar, with serine, which is neutral and polar, at codon 1330 of the KDM5C protein (p.Ala1330Ser).